The following is an entry in ClinVar:

ClinVar aggregate classification (germline): Uncertain significance (1 of 4 stars; one submission).

Conditions:
DICER1-related tumor predisposition. Also called: DICER1 syndrome; DICER1-related pleuropulmonary blastoma cancer predisposition syndrome. Identifiers: Orphanet 284343, MedGen C3839822, MONDO:0100216.

Submission:

Labcorp Genetics (formerly Invitae), Labcorp
Classification: Uncertain significance for DICER1-related tumor predisposition. Last evaluated: 2025-07-08. Review status: criteria provided, single submitter. Criteria: Invitae Variant Classification Sherloc (09022015). Collection method: clinical testing. Allele origin: germline.
Comment: This variant, c.1257_1259del, results in the deletion of 1 amino acid(s) of the DICER1 protein (p.Asp419del), but otherwise preserves the integrity of the reading frame. This variant is not present in population databases (gnomAD no frequency). This variant has not been reported in the literature in individuals affected with DICER1-related conditions. Experimental studies and prediction algorithms are not available or were not evaluated, and the functional significance of this variant is currently unknown. In summary, the available evidence is currently insufficient to determine the role of this variant in disease. Therefore, it has been classified as a Variant of Uncertain Significance.

NM_177438.3(DICER1):c.1251TGA[2] (p.Asp419del)

Gene: DICER1 (dicer 1, ribonuclease III; minus strand). Cytogenetic location: 14q32.13.
Variant type: Microsatellite.
Coding change: c.1251TGA[2] on transcript NM_177438.3 (MANE Select); two copies in a row of the 3-base unit TGA starting at c.1251; the reference has three copies in a row; one copy, 3 bases deleted.
Protein change: p.Asp419del; deletes aspartic acid 419.
Molecular consequence: inframe deletion. On other transcripts: inframe indel (1), 5 prime UTR variant (1), non-coding transcript variant (6).
Genome position (GRCh38, 1-based): chr14:95,124,313-95,124,315, TCA deleted on the plus strand (TGA on the coding strand, the reverse complement: DICER1 is on the minus strand); deleting any 3 consecutive bases within chr14:95,124,313-95,124,323 gives the same sequence; the position shown is the placement nearest the transcript's 3' end. VCF-style (leftmost placement, unchanged base first): chr14-95124312-CTCA-C. GRCh37 (hg19) VCF-style: chr14-95590649-CTCA-C.
Other names: c.1251TGA[2], p.Asp419del (NM_001395679.1, NM_001395680.1, NM_001395682.1 and 14 more transcripts); c.1249_1251GAT[2], p.Asp419del (NM_001395681.1); c.969TGA[2], p.Asp325del (NM_001395686.1); c.846TGA[2], p.Asp284del (NM_001395687.1, NM_001395688.1, NM_001395689.1 and 3 more transcripts); c.684TGA[2], p.Asp230del (NM_001395691.1); c.-318TGA[2] (NM_001395697.1); short protein forms D419del, D230del, D284del, D325del.
Identifiers: ClinVar variation 2166233 (VCV002166233.4), dbSNP rs2140202490, ClinGen allele CA2580613743.